The following is an entry in ClinVar:

ClinVar aggregate classification (germline): Uncertain significance. Review status: criteria provided, multiple submitters, no conflicts (2 of 4 stars). 2 submissions from 2 submitters: Uncertain significance (2). Last evaluated 2024-10-26.

Conditions:
Alstrom syndrome (ALMS). Identifiers: Orphanet 64, MedGen C0268425, MONDO:0008763, OMIM 203800.

Allele frequency attached by ClinVar (database versions not stated): gnomAD 0.00001.
gnomAD v4.1: 2 of 1,614,036 alleles (0.00012%); highest among the groups gnomAD compares: Admixed American, 0.0033%; no homozygotes.

Submissions (2):

Labcorp Genetics (formerly Invitae), Labcorp
Classification: Uncertain significance for Alstrom syndrome. Last evaluated: 2024-10-26. Review status: criteria provided, single submitter. Criteria: Invitae Variant Classification Sherloc (09022015). Collection method: clinical testing. Allele origin: germline.
Comment: This sequence change replaces valine, which is neutral and non-polar, with leucine, which is neutral and non-polar, at codon 4157 of the ALMS1 protein (p.Val4157Leu). This variant is not present in population databases (gnomAD no frequency). This variant has not been reported in the literature in individuals affected with ALMS1-related conditions. ClinVar contains an entry for this variant (Variation ID: 1417716). Experimental studies and prediction algorithms are not available or were not evaluated, and the functional significance of this variant is currently unknown. In summary, the available evidence is currently insufficient to determine the role of this variant in disease. Therefore, it has been classified as a Variant of Uncertain Significance.

Fulgent Genetics
Classification: Uncertain significance for Alstrom syndrome. Last evaluated: 2021-11-07. Review status: criteria provided, single submitter. Criteria: ACMG Guidelines, 2015. Collection method: clinical testing. Allele origin: unknown.

NM_001378454.1(ALMS1):c.12466G>T (p.Val4156Leu)

Gene: ALMS1 (ALMS1 centrosome and basal body associated protein; plus strand). Cytogenetic location: 2p13.1.
Variant type: single nucleotide variant.
Coding change: c.12466G>T on transcript NM_001378454.1 (MANE Select); coding-DNA position 12466, G replaced by T.
Protein change: p.Val4156Leu; replaces valine 4156 with leucine.
Molecular consequence: missense variant.
Genome position (GRCh38, 1-based): chr2:73,609,571, G>T. VCF-style: chr2-73609571-G-T. GRCh37 (hg19) VCF-style: chr2-73836698-G-T.
Other names: c.12469G>T, p.Val4157Leu (NM_015120.4); short protein forms V4157L, V4156L.
Identifiers: ClinVar variation 1417716 (VCV001417716.5), dbSNP rs779259646, ClinGen allele CA347276358.